The following is an entry in ClinVar:

NM_001903.5(CTNNA1):c.2403G>C (p.Gln801His)

Gene: CTNNA1 (catenin alpha 1; plus strand). Cytogenetic location: 5q31.2.
Variant type: single nucleotide variant.
Coding change: c.2403G>C on transcript NM_001903.5 (MANE Select); coding-DNA position 2403, G replaced by C.
Protein change: p.Gln801His; replaces glutamine 801 with histidine.
Molecular consequence: missense variant. On other transcripts: intron variant (1).
Genome position (GRCh38, 1-based): chr5:138,932,682, G>C. VCF-style: chr5-138932682-G-C. GRCh37 (hg19) VCF-style: chr5-138268371-G-C.
Other names: c.2403G>C, p.Gln801His (NM_001290307.3, NM_001323982.2, NM_001323983.1 and 2 more transcripts); c.2094G>C, p.Gln698His (NM_001290309.3); c.2034G>C, p.Gln678His (NM_001290310.3); c.1293G>C, p.Gln431His (NM_001290312.1, NM_001323992.1, NM_001323993.1 and 16 more transcripts); c.2310G>C, p.Gln770His (NM_001323986.2); c.954G>C, p.Gln318His (NM_001324006.1, NM_001324007.1, NM_001324008.1 and 2 more transcripts); c.1200G>C, p.Gln400His (NM_001324011.1); c.1050G>C, p.Gln350His (NM_001324012.1, NM_001324013.1); and 1 more; short protein forms Q318H, Q770H, Q801H, Q350H, Q678H, Q698H, Q400H, Q431H.
Identifiers: ClinVar variation 2055126 (VCV002055126.4), dbSNP rs757984994, ClinGen allele CA361134510.
Genomic context (GRCh38, chr5:138,932,682, plus strand): 5'-ACGCATCGCCCTCTACTGCCACCAGCTGAACATCTGCAGCAAGGTCAAGGCCGAGGTGCA[G>C]AATCTCGGCGGGGAGCTTGTTGTCTCTGGGGTAAGCATTAGCTGAACAAAAAGAGGGCCA-3'
Protein context (NP_001894.2, residues 791-811): NICSKVKAEV[Gln801His]NLGGELVVSG

ClinVar aggregate classification (germline): Uncertain significance (1 of 4 stars; one submission).

Submission:

Labcorp Genetics (formerly Invitae), Labcorp
Classification: Uncertain significance. Last evaluated: 2024-09-08. Review status: criteria provided, single submitter. Criteria: Invitae Variant Classification Sherloc (09022015). Collection method: clinical testing. Allele origin: germline.
Comment: This sequence change replaces glutamine, which is neutral and polar, with histidine, which is basic and polar, at codon 801 of the CTNNA1 protein (p.Gln801His). This variant is not present in population databases (gnomAD no frequency). This variant has not been reported in the literature in individuals affected with CTNNA1-related conditions. ClinVar contains an entry for this variant (Variation ID: 2055126). An algorithm developed to predict the effect of missense changes on protein structure and function (PolyPhen-2) suggests that this variant is likely to be disruptive. In summary, the available evidence is currently insufficient to determine the role of this variant in disease. Therefore, it has been classified as a Variant of Uncertain Significance.